The following is an entry in ClinVar:

ClinVar aggregate classification (germline): Uncertain significance. Review status: criteria provided, multiple submitters, no conflicts (2 of 4 stars). 2 submissions from 2 submitters: Uncertain significance (2). Last evaluated 2022-10-18.

Conditions:
Inborn genetic diseases. Identifiers: MedGen C0950123, MeSH D030342.

gnomAD v4.1: 9 of 1,609,146 alleles (0.00056%); highest among the groups gnomAD compares: Admixed American, 0.0017%; no homozygotes.

Submissions (2):

Labcorp Genetics (formerly Invitae), Labcorp
Classification: Uncertain significance. Last evaluated: 2022-10-18. Review status: criteria provided, single submitter. Criteria: Invitae Variant Classification Sherloc (09022015). Collection method: clinical testing. Allele origin: germline.
Comment: This sequence change replaces glutamic acid, which is acidic and polar, with glutamine, which is neutral and polar, at codon 1023 of the POP1 protein (p.Glu1023Gln). This variant is not present in population databases (gnomAD no frequency). This variant has not been reported in the literature in individuals affected with POP1-related conditions. ClinVar contains an entry for this variant (Variation ID: 1460544). Algorithms developed to predict the effect of missense changes on protein structure and function are either unavailable or do not agree on the potential impact of this missense change (SIFT: "Tolerated"; PolyPhen-2: "Probably Damaging"; Align-GVGD: "Class C0"). In summary, the available evidence is currently insufficient to determine the role of this variant in disease. Therefore, it has been classified as a Variant of Uncertain Significance.

Ambry Genetics
Classification: Uncertain significance for Inborn genetic diseases. Last evaluated: 2022-07-13. Review status: criteria provided, single submitter. Criteria: Ambry Variant Classification Scheme 2023. Collection method: clinical testing. Allele origin: germline.

NM_001145860.2(POP1):c.3067G>C (p.Glu1023Gln)

Gene: POP1 (POP1 ribonuclease P/MRP subunit; plus strand). Cytogenetic location: 8q22.2.
Variant type: single nucleotide variant.
Coding change: c.3067G>C on transcript NM_001145860.2 (MANE Select); coding-DNA position 3067, G replaced by C.
Protein change: p.Glu1023Gln; replaces glutamic acid 1023 with glutamine.
Molecular consequence: missense variant.
Genome position (GRCh38, 1-based): chr8:98,158,263, G>C. VCF-style: chr8-98158263-G-C. GRCh37 (hg19) VCF-style: chr8-99170491-G-C.
Other names: c.3067G>C (NM_015029.2); c.3067G>C, p.Glu1023Gln (NM_001145861.2, NM_015029.3); short protein forms E1023Q.
Identifiers: ClinVar variation 1460544 (VCV001460544.7), dbSNP rs142016700, ClinGen allele CA182303566.